The following is an entry in ClinVar:

NM_003809.3(TNFSF12):c.528C>A (p.Tyr176Ter)

Genes: TNFSF12 (TNF superfamily member 12; plus strand), TNFSF12-TNFSF13 (TNFSF12-TNFSF13 readthrough; plus strand). Cytogenetic location: 17p13.1.
Variant type: single nucleotide variant.
Coding change: c.528C>A on transcript NM_003809.3 (MANE Select); coding-DNA position 528, C replaced by A.
Protein change: p.Tyr176Ter; replaces tyrosine 176 with a stop codon.
Molecular consequence: nonsense. On other transcripts: non-coding transcript variant (1), intron variant (1).
Genome position (GRCh38, 1-based): chr17:7,557,128, C>A. VCF-style: chr17-7557128-C-A. GRCh37 (hg19) VCF-style: chr17-7460445-C-A.
Other names: c.498+226C>A (NM_172089.4); short protein forms Y176*.
Identifiers: ClinVar variation 2105203 (VCV002105203.4), dbSNP rs2508362258, ClinGen allele CA397862691.

ClinVar aggregate classification (germline): Uncertain significance (1 of 4 stars; one submission).

Conditions:
Common variable immunodeficiency (CVID). Also called: Common variable hypogamma-globulinemia; Common variable agammaglobulinemia. Identifiers: Orphanet 1572, MedGen C0009447, MONDO:0015517.

Submission:

Labcorp Genetics (formerly Invitae), Labcorp
Classification: Uncertain significance for Common variable immunodeficiency. Last evaluated: 2022-03-10. Review status: criteria provided, single submitter. Criteria: Invitae Variant Classification Sherloc (09022015). Collection method: clinical testing. Allele origin: germline.
Comment: This sequence change creates a premature translational stop signal (p.Tyr176*) in the TNFSF12 gene. While this is not anticipated to result in nonsense mediated decay, it is expected to disrupt the last 74 amino acid(s) of the TNFSF12 protein. In summary, the available evidence is currently insufficient to determine the role of this variant in disease. Therefore, it has been classified as a Variant of Uncertain Significance. Experimental studies and prediction algorithms are not available or were not evaluated, and the functional significance of this variant is currently unknown. This variant has not been reported in the literature in individuals affected with TNFSF12-related conditions. This variant is not present in population databases (gnomAD no frequency).